The following is an entry in ClinVar:

NM_000138.5(FBN1):c.3089del (p.Asn1030fs)

Gene: FBN1 (fibrillin 1; minus strand). Cytogenetic location: 15q21.1.
Variant type: Deletion.
Coding change: c.3089del on transcript NM_000138.5 (MANE Select); coding-DNA position 3089, one base deleted (A; older notation c.3089delA).
Protein change: p.Asn1030fs; shifts the reading frame from asparagine 1030.
Molecular consequence: frameshift variant.
Genome position (GRCh38, 1-based): chr15:48,488,487, T deleted on the plus strand (A on the coding strand, the reverse complement: FBN1 is on the minus strand); the first of 2 consecutive T bases (chr15:48,488,487-48,488,488); deleting either gives the same sequence. VCF-style (leftmost placement, unchanged base first): chr15-48488486-AT-A. GRCh37 (hg19) VCF-style: chr15-48780683-AT-A.
Other names: c.3088delA, p.Asn1030Metfs (NM_001406716.1); short protein forms N1030fs.
Identifiers: ClinVar variation 2002927 (VCV002002927.4), dbSNP rs2505553870, ClinGen allele CA2580089676.

ClinVar aggregate classification (germline): Pathogenic (1 of 4 stars; one submission).

Conditions:
Familial thoracic aortic aneurysm and aortic dissection (TAAD). Also called: Thoracic aortic aneurysms and dissections. Identifiers: Orphanet 91387, MedGen C4707243, MONDO:0019625.
Marfan syndrome (MFS). Also called: MARFAN SYNDROME, TYPE I; Marfan syndrome type 1; Marfan's syndrome; Marfan syndrome, classic; FBN1-Related Marfan Syndrome. Identifiers: Orphanet 284963, Orphanet 558, MedGen C0024796, MONDO:0007947, OMIM 154700.

Submission:

Labcorp Genetics (formerly Invitae), Labcorp
Classification: Pathogenic for Marfan syndrome; Familial thoracic aortic aneurysm and aortic dissection. Last evaluated: 2022-06-07. Review status: criteria provided, single submitter. Criteria: Invitae Variant Classification Sherloc (09022015). Collection method: clinical testing. Allele origin: germline.
Comment: This sequence change creates a premature translational stop signal (p.Asn1030Metfs*5) in the FBN1 gene. It is expected to result in an absent or disrupted protein product. Loss-of-function variants in FBN1 are known to be pathogenic (PMID: 17657824, 19293843). This variant is not present in population databases (gnomAD no frequency). This variant has not been reported in the literature in individuals affected with FBN1-related conditions. For these reasons, this variant has been classified as Pathogenic.

Literature cited by the submitters: PubMed 17657824; PubMed 19293843.